The following is an entry in ClinVar:

ClinVar aggregate classification (germline): Uncertain significance (1 of 4 stars; one submission).

gnomAD v4.1: 1 of 1,614,174 alleles (0.000062%); highest among the groups gnomAD compares: Non-Finnish European, 0.000085%; no homozygotes.

Submission:

Ambry Genetics
Classification: Uncertain significance. Last evaluated: 2024-05-25. Review status: criteria provided, single submitter. Criteria: Ambry Variant Classification Scheme 2023. Collection method: clinical testing. Allele origin: germline.
Comment: The p.P335H variant (also known as c.1004C>A), located in coding exon 3 of the EGLN2 gene, results from a C to A substitution at nucleotide position 1004. The proline at codon 335 is replaced by histidine, an amino acid with similar properties. This amino acid position is conserved. In addition, this alteration is predicted to be tolerated by in silico analysis. Since supporting evidence is limited at this time, the clinical significance of this alteration remains unclear.

NM_080732.4(EGLN2):c.1004C>A (p.Pro335His)

Genes: EGLN2 (egl-9 family hypoxia inducible factor 2; plus strand), RAB4B-EGLN2 (RAB4B-EGLN2 readthrough (NMD candidate); plus strand). Cytogenetic location: 19q13.2.
Variant type: single nucleotide variant.
Coding change: c.1004C>A on transcript NM_080732.4 (MANE Select); coding-DNA position 1004, C replaced by A.
Protein change: p.Pro335His; replaces proline 335 with histidine.
Molecular consequence: missense variant. On other transcripts: non-coding transcript variant (1).
Genome position (GRCh38, 1-based): chr19:40,807,178, C>A. VCF-style: chr19-40807178-C-A. GRCh37 (hg19) VCF-style: chr19-41313083-C-A.
Other names: c.1004C>A, p.Pro335His (NM_053046.4); short protein forms P335H.
Identifiers: ClinVar variation 1778010 (VCV001778010.3), dbSNP rs2083310467, ClinGen allele CA405956468.